The following is an entry in ClinVar:

NM_015310.4(PSD3):c.1241T>A (p.Ile414Asn)

Gene: PSD3 (pleckstrin and Sec7 domain containing 3; minus strand). Cytogenetic location: 8p22.
Variant type: single nucleotide variant.
Coding change: c.1241T>A on transcript NM_015310.4 (MANE Select); coding-DNA position 1241, T replaced by A.
Protein change: p.Ile414Asn; replaces isoleucine 414 with asparagine.
Molecular consequence: missense variant.
Genome position (GRCh38, 1-based): chr8:18,868,067, A>T on the plus strand (T>A on the coding strand, the complement: PSD3 is on the minus strand). VCF-style: chr8-18868067-A-T. GRCh37 (hg19) VCF-style: chr8-18725577-A-T.
Other names: c.1142T>A, p.Ile381Asn (NM_001362819.2); c.1544T>A, p.Ile515Asn (NM_001412865.1, NM_001412866.1, NM_001412867.1 and 2 more transcripts); c.1241T>A, p.Ile414Asn (NM_001412870.1, NM_001412873.1, NM_001412877.1 and 2 more transcripts); c.1139T>A, p.Ile380Asn (NM_001412871.1, NM_001412872.1, NM_001412880.1); c.1046T>A, p.Ile349Asn (NM_001412874.1, NM_001412882.1, NM_001412883.1); c.1280T>A, p.Ile427Asn (NM_001412875.1); c.1238T>A, p.Ile413Asn (NM_001412876.1); short protein forms I349N, I380N, I381N, I413N, I414N, I427N, I515N.
Identifiers: ClinVar variation 2630850 (VCV002630850.2), dbSNP rs2538430673, ClinGen allele CA370451628.

ClinVar aggregate classification (germline): Uncertain significance (1 of 4 stars; one submission).

Conditions:
PSD3-related disorder. Also called: PSD3-related condition.

Allele frequency attached by ClinVar (database versions not stated): gnomAD exomes below 0.00001.
gnomAD v4.1: 3 of 1,595,436 alleles (0.00019%); highest among the groups gnomAD compares: Non-Finnish European, 0.00026%; no homozygotes.

Submission:

PreventionGenetics, part of Exact Sciences
Classification: Uncertain significance for PSD3-related condition. Last evaluated: 2025-10-27. Review status: criteria provided, single submitter. Criteria: ACMG Guidelines, 2015. Collection method: clinical testing. Allele origin: germline.
Comment: The PSD3 c.1241T>A variant is predicted to result in the amino acid substitution p.Ile414Asn. To our knowledge, this variant has not been reported in the literature or in a large population database, indicating this variant is rare. At this time, the clinical significance of this variant is uncertain due to the absence of conclusive functional and genetic evidence.